The following is an entry in ClinVar:

NM_001375524.1(TRRAP):c.1521T>C (p.Pro507=)

Gene: TRRAP (transformation/transcription domain associated protein; plus strand). Cytogenetic location: 7q22.1.
Variant type: single nucleotide variant.
Coding change: c.1521T>C on transcript NM_001375524.1 (MANE Select); coding-DNA position 1521, T replaced by C.
Protein change: p.Pro507=; no amino-acid change (proline 507 retained).
Molecular consequence: synonymous variant.
Genome position (GRCh38, 1-based): chr7:98,910,226, T>C. VCF-style: chr7-98910226-T-C. GRCh37 (hg19) VCF-style: chr7-98507849-T-C.
Other names: c.1521T>C, p.Pro507= (NM_001244580.2, NM_003496.4).
Identifiers: ClinVar variation 774192 (VCV000774192.8), dbSNP rs1219844009, ClinGen allele CA4359544.

ClinVar aggregate classification (germline): Benign/Likely benign. Review status: criteria provided, multiple submitters, no conflicts (2 of 4 stars). 2 submissions from 2 submitters: Benign (1); Likely benign (1). Last evaluated 2024-11-20.

Conditions:
TRRAP-related disorder. Also called: TRRAP-related condition.

Allele frequency attached by ClinVar (database versions not stated): ExAC 0.00418; gnomAD exomes 0.18445.

Submissions (2):

PreventionGenetics, part of Exact Sciences
Classification: Benign for TRRAP-related condition. Last evaluated: 2024-11-20. Review status: criteria provided, single submitter. Criteria: ACMG Guidelines, 2015. Collection method: clinical testing. Allele origin: germline.
Comment: This variant is classified as benign based on ACMG/AMP sequence variant interpretation guidelines (Richards et al. 2015 PMID: 25741868, with internal and published modifications).

Labcorp Genetics (formerly Invitae), Labcorp
Classification: Likely benign. Last evaluated: 2022-11-22. Review status: criteria provided, single submitter. Criteria: Invitae Variant Classification Sherloc (09022015). Collection method: clinical testing. Allele origin: germline.